The following is an entry in ClinVar:

ClinVar aggregate classification (germline): Pathogenic. Review status: criteria provided, single submitter (1 of 4 stars). 2 submissions from 1 submitter: Pathogenic (1). 1 of the submissions does not count toward it. Last evaluated 2016-01-06.

Conditions:
Familial adenomatous polyposis 1 (FAP1). Also called: FAMILIAL ADENOMATOUS POLYPOSIS 1, ATTENUATED; POLYPOSIS, ADENOMATOUS INTESTINAL. Identifiers: MedGen C2713442, MONDO:0021056, OMIM 175100. Disease mechanism: loss of function.

Submissions (2):

Labcorp Genetics (formerly Invitae), Labcorp
Classification: Pathogenic for Familial adenomatous polyposis 1. Last evaluated: 2016-01-06. Review status: criteria provided, single submitter. Criteria: Invitae Variant Classification Sherloc (09022015). Collection method: clinical testing. Allele origin: germline.
Comment: Truncating variants in APC are known to be pathogenic. This particular truncation has been reported in the literature in an individual affected with familial adenomatous polyposis (FAP) with extracolonic phenotypes (PMID: 9067764). This variant is also referred to in the literature as 595insG. For these reasons, this variant has been classified as Pathogenic. This sequence change inserts 1 nucleotide in exon 6 of the APC mRNA (c.595dupG), causing a frameshift at codon 199. This creates a premature translational stop signal (p.Ala199Glyfs*53) and is expected to result in an absent or disrupted protein product.

Labcorp Genetics (formerly Invitae), Labcorp
Classification: Pathogenic for Familial adenomatous polyposis 1. Last evaluated: 2016-01-06. Review status: flagged submission. Criteria: Invitae Variant Classification Sherloc (09022015). Collection method: clinical testing. Allele origin: germline. Not counted in ClinVar's aggregate classification.
Comment: This sequence change inserts 1 nucleotide in exon 6 of the APC mRNA (c.595dupG), causing a frameshift at codon 199. This creates a premature translational stop signal (p.Ala199Glyfs*53) and is expected to result in an absent or disrupted protein product. Truncating variants in APC are known to be pathogenic. This particular truncation has been reported in the literature in an individual affected with familial adenomatous polyposis (FAP) with extracolonic phenotypes (PMID: 9067764). This variant is also referred to in the literature as 595insG. For these reasons, this variant has been classified as Pathogenic.
ClinVar note: Reason: This record appears to be redundant with a more recent record from the same submitter.
ClinVar note: Notes: SCV000282788 appears to be redundant with SCV002152382.

Literature cited by the submitters: PubMed 9067764.

NM_000038.6(APC):c.595dup (p.Ala199fs)

Gene: APC (APC regulator of Wnt signaling pathway; plus strand). Cytogenetic location: 5q22.2.
Variant type: Duplication.
Coding change: c.595dup on transcript NM_000038.6 (MANE Select); coding-DNA position 595, one base duplicated (G; older notation c.595dupG).
Protein change: p.Ala199fs; shifts the reading frame from alanine 199.
Molecular consequence: frameshift variant. On other transcripts: 5 prime UTR variant (1).
Genome position (GRCh38, 1-based): chr5:112,780,853, G duplicated. VCF-style (leftmost placement, unchanged base first): chr5-112780852-T-TG. GRCh37 (hg19) VCF-style: chr5-112116549-T-TG.
Other names: c.595dup, p.Ala199fs (NM_001127510.3, NM_001354895.2, NM_001354896.2 and 2 more transcripts); c.625dup, p.Ala209fs (NM_001127511.3, NM_001354897.2, NM_001354902.2); c.520dup, p.Ala174fs (NM_001354898.2, NM_001354904.2); c.418dup, p.Ala140fs (NM_001354900.2, NM_001354901.2, NM_001354905.2); c.-441dup (NM_001354906.2); short protein forms A174fs, A140fs, A199fs, A209fs.
Identifiers: ClinVar variation 236625 (VCV000236625.7), dbSNP rs878853459, ClinGen allele CA10582279.